The following is an entry in ClinVar:

NC_012920.1(MT-CO3):m.9862T>A

Gene: MT-CO3 (mitochondrially encoded cytochrome c oxidase III; plus strand).
Variant type: single nucleotide variant.
Genome position: chrM-9862-T-A.
Identifiers: ClinVar variation 693243 (VCV000693243.1), dbSNP rs1603222555, ClinGen allele CA414803873.

ClinVar aggregate classification (germline): Likely benign (1 of 4 stars; one submission).

Conditions:
Leigh syndrome (NULS). Also called: Leigh's necrotizing encephalopathy; Leigh's disease; Leigh Syndrome (mtDNA deletion); Leigh Disease; Subacute necrotizing encephalopathy; Necrotizing encephalopathy infantile subacute of Leigh. Identifiers: Orphanet 506, MedGen C2931891, MONDO:0009723, OMIM 256000.

Submission:

Wong Mito Lab, Molecular and Human Genetics, Baylor College of Medicine
Classification: Likely benign for Leigh syndrome. Last evaluated: 2019-10-17. Review status: criteria provided, single submitter. Criteria: Modified ACMG Guidelines (Unpublished). Collection method: clinical testing. Allele origin: germline.
Comment: The NC_012920.1:m.9862T>A (YP_003024032.1:p.Phe219Tyr) variant in MTCO3 gene is interpretated to be a Likely Benign variant based on the modified ACMG guidelines (unpublished). This variant meets the following evidence codes: BP4, BP6